The following is an entry in ClinVar:

ClinVar aggregate classification (germline): Likely pathogenic (1 of 4 stars; one submission).

Allele frequency attached by ClinVar (database versions not stated): gnomAD exomes below 0.00001.

Submission:

GeneDx
Classification: Likely pathogenic. Last evaluated: 2025-06-11. Review status: criteria provided, single submitter. Criteria: GeneDx Variant Classification Process June 2021. Collection method: clinical testing. Allele origin: germline.
Comment: Identified in a patient with optic atrophy in published literature (PMID: 21036400); Not observed at significant frequency in large population cohorts (gnomAD); Initiation codon variant in a gene for which loss of function is a known mechanism of disease; This variant is associated with the following publications: (PMID: 21036400)

NM_130837.3(OPA1):c.1A>T (p.Met1Leu)

Gene: OPA1 (OPA1 mitochondrial dynamin like GTPase; plus strand). Cytogenetic location: 3q29.
Variant type: single nucleotide variant.
Coding change: c.1A>T on transcript NM_130837.3 (MANE Select); coding-DNA position 1, A replaced by T.
Protein change: p.Met1Leu; changes the start codon (methionine 1).
Molecular consequence: missense variant, initiator codon variant. On other transcripts: 5 prime UTR variant (2).
Genome position (GRCh38, 1-based): chr3:193,593,378, A>T. VCF-style: chr3-193593378-A-T. GRCh37 (hg19) VCF-style: chr3-193311167-A-T.
Other names: c.-430A>T (NM_001354663.2, NM_001354664.2); c.1A>T, p.Met1Leu (NM_015560.3, NM_130831.3, NM_130832.3 and 4 more transcripts); short protein forms M1L.
Identifiers: ClinVar variation 2504752 (VCV002504752.3), dbSNP rs77160003, ClinGen allele CA355785427.
Genomic context (GRCh38, chr3:193,593,378, plus strand): 5'-GCTCACACGGGGGCTCCCGCGTGGCCGTCTCGGCGCCTGCGTGACCTCCCCGCCGGCGGG[A>T]TGTGGCGACTACGTCGGGCCGCTGTGGCCTGGTAAGTGCAGGCTCTAATCTGGCCCCGTT-3'
Protein context (NP_570850.2, residues 1-11): [Met1Leu]WRLRRAAVAC